The following is an entry in ClinVar:

ClinVar aggregate classification (germline): Uncertain significance (1 of 4 stars; one submission).

Conditions:
Long QT syndrome (LQTS). Identifiers: MedGen C0023976, MeSH D008133, MONDO:0002442. Disease mechanism: loss of function. Inheritance: Various modes of inheritance.

Allele frequency attached by ClinVar (database versions not stated): ESP Exome Variant Server 0.00008.

Submission:

Labcorp Genetics (formerly Invitae), Labcorp
Classification: Uncertain significance for Long QT syndrome. Last evaluated: 2021-02-11. Review status: criteria provided, single submitter. Criteria: Invitae Variant Classification Sherloc (09022015). Collection method: clinical testing. Allele origin: germline.
Comment: In summary, the available evidence is currently insufficient to determine the role of this variant in disease. Therefore, it has been classified as a Variant of Uncertain Significance. Algorithms developed to predict the effect of missense changes on protein structure and function are either unavailable or do not agree on the potential impact of this missense change (SIFT: "Deleterious"; PolyPhen-2: "Probably Damaging"; Align-GVGD: "Class C0"). This variant has not been reported in the literature in individuals with AKAP9-related conditions. This variant is not present in population databases (ExAC no frequency). This sequence change replaces aspartic acid with tyrosine at codon 937 of the AKAP9 protein (p.Asp937Tyr). The aspartic acid residue is moderately conserved and there is a large physicochemical difference between aspartic acid and tyrosine.

NM_005751.5(AKAP9):c.2809G>T (p.Asp937Tyr)

Gene: AKAP9 (A-kinase anchoring protein 9; plus strand). Cytogenetic location: 7q21.2.
Variant type: single nucleotide variant.
Coding change: c.2809G>T on transcript NM_005751.5 (MANE Select); coding-DNA position 2809, G replaced by T.
Protein change: p.Asp937Tyr; replaces aspartic acid 937 with tyrosine.
Molecular consequence: missense variant.
Genome position (GRCh38, 1-based): chr7:92,002,726, G>T. VCF-style: chr7-92002726-G-T. GRCh37 (hg19) VCF-style: chr7-91632040-G-T.
Other names: c.2809G>T, p.Asp937Tyr (NM_147185.3); short protein forms D937Y.
Identifiers: ClinVar variation 1432418 (VCV001432418.8), dbSNP rs147543076, ClinGen allele CA161908375.